The following is an entry in ClinVar:

NM_007294.4(BRCA1):c.1001C>A (p.Pro334His)

Gene: BRCA1 (BRCA1 DNA repair associated; minus strand). Cytogenetic location: 17q21.31.
Variant type: single nucleotide variant.
Coding change: c.1001C>A on transcript NM_007294.4 (MANE Select); coding-DNA position 1001, C replaced by A.
Protein change: p.Pro334His; replaces proline 334 with histidine.
Molecular consequence: missense variant. On other transcripts: intron variant (137).
Genome position (GRCh38, 1-based): chr17:43,094,530, G>T on the plus strand (C>A on the coding strand, the complement: BRCA1 is on the minus strand). VCF-style: chr17-43094530-G-T. GRCh37 (hg19) VCF-style: chr17-41246547-G-T.
Other names: 1120C>A; c.788C>A, p.Pro263His (NM_001407571.1, NM_001407853.1, NM_001407894.1 and 9 more transcripts); c.1001C>A, p.Pro334His (NM_001407581.1, NM_001407582.1, NM_001407583.1 and 30 more transcripts); c.998C>A, p.Pro333His (NM_001407587.1, NM_001407590.1, NM_001407591.1 and 22 more transcripts); c.992C>A, p.Pro331His (NM_001407646.1, NM_001407647.1); c.920C>A, p.Pro307His (NM_001407659.1, NM_001407660.1, NM_001407661.1 and 1 more transcripts); c.923C>A, p.Pro308His (NM_001407663.1, NM_001407653.1, NM_001407654.1 and 4 more transcripts); c.878C>A, p.Pro293His (NM_001407664.1, NM_001407665.1, NM_001407666.1 and 19 more transcripts); and 41 more; short protein forms P334H, P287H, P166H, P223H, P292H, P307H, P308H, P206H.
Identifiers: ClinVar variation 96893 (VCV000096893.17), dbSNP rs41286290, ClinGen allele CA000678.

ClinVar aggregate classification (germline): Likely benign. Review status: criteria provided, multiple submitters, no conflicts (2 of 4 stars). 4 submissions from 4 submitters: Likely benign (3). 1 of the submissions does not count toward it. Last evaluated 2025-04-14.

Conditions:
Breast-ovarian cancer, familial, susceptibility to, 1 (BROVCA1). Also called: BRCA1 Hereditary Breast and Ovarian Cancer; OVARIAN CANCER, SUSCEPTIBILITY TO. Identifiers: Orphanet 145, MedGen C2676676, MONDO:0011450, OMIM 604370. Disease mechanism: loss of function.
Hereditary cancer-predisposing syndrome. Also called: Hereditary Cancer Syndrome; Neoplastic Syndromes, Hereditary; Hereditary neoplastic syndrome; Tumor predisposition. Identifiers: Orphanet 140162, MedGen C0027672, MeSH D009386, MONDO:0015356.
Hereditary breast ovarian cancer syndrome. Also called: Hereditary breast and/or ovarian cancer syndrome; Hereditary breast and ovarian cancer syndrome; Hereditary breast and ovarian cancer; Hereditary breast and ovarian cancer syndrome (HBOC); Breast and ovarian cancer; BRCA1- and BRCA2-Associated Hereditary Breast and Ovarian Cancer. Identifiers: Orphanet 145, MedGen C0677776, MeSH D061325, MONDO:0003582. Disease mechanism: loss of function.

Submissions (4):

Labcorp Genetics (formerly Invitae), Labcorp
Classification: Likely benign for Hereditary breast ovarian cancer syndrome. Last evaluated: 2025-04-14. Review status: criteria provided, single submitter. Criteria: Invitae Variant Classification Sherloc (09022015). Collection method: clinical testing. Allele origin: germline.

University of Washington Department of Laboratory Medicine, University of Washington
Classification: Likely benign for Hereditary cancer-predisposing syndrome. Last evaluated: 2023-03-23. Review status: criteria provided, single submitter. Criteria: Dines et al. (Genet Med. 2020). Collection method: curation. Allele origin: germline.
Comment: Missense variant in a coldspot region where missense variants are very unlikely to be pathogenic (PMID:31911673).

BRCA1 coldspot (exon 11 using historical exon numbering). Reclassification based on statistical prior probability

Ambry Genetics
Classification: Likely benign for Hereditary cancer-predisposing syndrome. Last evaluated: 2019-03-18. Review status: criteria provided, single submitter. Criteria: Ambry Variant Classification Scheme 2023. Collection method: clinical testing. Allele origin: germline.

Sharing Clinical Reports Project (SCRP)
Classification: Uncertain significance for Breast-ovarian cancer, familial 1. Last evaluated: 2007-01-17. Review status: no assertion criteria provided. Collection method: clinical testing. Allele origin: germline. Not counted in ClinVar's aggregate classification.